The following is an entry in ClinVar:

NM_000254.3(MTR):c.*3788A>C

Gene: MTR (5-methyltetrahydrofolate-homocysteine methyltransferase; plus strand). Cytogenetic location: 1q43.
Variant type: single nucleotide variant.
Coding change: c.*3788A>C on transcript NM_000254.3 (MANE Select); 3788 bases downstream of the stop codon, A replaced by C.
Molecular consequence: 3 prime UTR variant.
Genome position (GRCh38, 1-based): chr1:236,901,432, A>C. VCF-style: chr1-236901432-A-C. GRCh37 (hg19) VCF-style: chr1-237064732-A-C.
Other names: c.*3788A>C (NM_001291939.1, NM_001291940.2).
Identifiers: ClinVar variation 873941 (VCV000873941.4), dbSNP rs184684509, ClinGen allele CA39768552.

ClinVar aggregate classification (germline): Likely benign (1 of 4 stars; one submission).

Conditions:
Disorders of Intracellular Cobalamin Metabolism. Identifiers: MedGen CN043592.

Allele frequency attached by ClinVar (database versions not stated): gnomAD 0.00101 and 0.00108; TOPMed 0.00105; 1000 Genomes Project 0.00180; 1000 Genomes Project 30x 0.00187.
gnomAD v4.1: 152 of 151,510 alleles (0.1%); highest among the groups gnomAD compares: African/African-American, 0.36%; no homozygotes.

Submission:

Illumina Laboratory Services, Illumina
Classification: Likely benign for Disorders of Intracellular Cobalamin Metabolism. Last evaluated: 2017-04-27. Review status: criteria provided, single submitter. Criteria: ICSL Variant Classification Criteria 13 December 2019. Collection method: clinical testing. Allele origin: germline.
Comment: This variant was observed as part of a predisposition screen in an ostensibly healthy population. A literature search was performed for the gene, cDNA change, and amino acid change (where applicable). No publications were found based on this search. Allele frequency data from public databases allowed determination this variant is unlikely to cause disease. Therefore, this variant is classified as likely benign.